The following is an entry in ClinVar:

NM_001540.5(HSPB1):c.223C>T (p.Arg75Cys)

Gene: HSPB1 (heat shock protein family B (small) member 1; plus strand). Cytogenetic location: 7q11.23.
Variant type: single nucleotide variant.
Coding change: c.223C>T on transcript NM_001540.5 (MANE Select); coding-DNA position 223, C replaced by T.
Protein change: p.Arg75Cys; replaces arginine 75 with cysteine.
Molecular consequence: missense variant.
Genome position (GRCh38, 1-based): chr7:76,302,935, C>T. VCF-style: chr7-76302935-C-T. GRCh37 (hg19) VCF-style: chr7-75932252-C-T.
Other names: short protein forms R75C.
Identifiers: ClinVar variation 2160837 (VCV002160837.4), dbSNP rs2536149446, ClinGen allele CA367763148.
Genomic context (GRCh38, chr7:76,302,935, plus strand): 5'-GTGCGCCCCCTGCCCCCCGCCGCCATCGAGAGCCCCGCAGTGGCCGCGCCCGCCTACAGC[C>T]GCGCGCTCAGCCGGCAACTCAGCAGCGGGGTCTCGGAGATCCGGCACACTGCGGACCGCT-3'
Protein context (NP_001531.1, residues 65-85): SPAVAAPAYS[Arg75Cys]ALSRQLSSGV

ClinVar aggregate classification (germline): Uncertain significance (1 of 4 stars; one submission).

Conditions:
Charcot-Marie-Tooth disease axonal type 2F (CMT2F). Also called: CHARCOT-MARIE-TOOTH DISEASE, NEURONAL, TYPE 2F; Charcot-Marie-Tooth Neuropathy Type 2F. Identifiers: Orphanet 99940, MedGen C1847823, MONDO:0011687, OMIM 606595.

Allele frequency attached by ClinVar (database versions not stated): gnomAD exomes below 0.00001.

Submission:

Labcorp Genetics (formerly Invitae), Labcorp
Classification: Uncertain significance for Charcot-Marie-Tooth disease axonal type 2F. Last evaluated: 2022-10-12. Review status: criteria provided, single submitter. Criteria: Invitae Variant Classification Sherloc (09022015). Collection method: clinical testing. Allele origin: germline.
Comment: In summary, the available evidence is currently insufficient to determine the role of this variant in disease. Therefore, it has been classified as a Variant of Uncertain Significance. Advanced modeling of protein sequence and biophysical properties (such as structural, functional, and spatial information, amino acid conservation, physicochemical variation, residue mobility, and thermodynamic stability) performed at Invitae indicates that this missense variant is expected to disrupt HSPB1 protein function. This variant has not been reported in the literature in individuals affected with HSPB1-related conditions. This variant is not present in population databases (gnomAD no frequency). This sequence change replaces arginine, which is basic and polar, with cysteine, which is neutral and slightly polar, at codon 75 of the HSPB1 protein (p.Arg75Cys).